The following is an entry in ClinVar:

NM_000038.6(APC):c.7586C>T (p.Ala2529Val)

Gene: APC (APC regulator of Wnt signaling pathway; plus strand). Cytogenetic location: 5q22.2.
Variant type: single nucleotide variant.
Coding change: c.7586C>T on transcript NM_000038.6 (MANE Select); coding-DNA position 7586, C replaced by T.
Protein change: p.Ala2529Val; replaces alanine 2529 with valine.
Molecular consequence: missense variant.
Genome position (GRCh38, 1-based): chr5:112,843,180, C>T. VCF-style: chr5-112843180-C-T. GRCh37 (hg19) VCF-style: chr5-112178877-C-T.
Other names: c.7586C>T, p.Ala2529Val (NM_001127510.3, NM_001354895.2); c.7532C>T, p.Ala2511Val (NM_001127511.3); c.7640C>T, p.Ala2547Val (NM_001354896.2); c.7616C>T, p.Ala2539Val (NM_001354897.2); c.7511C>T, p.Ala2504Val (NM_001354898.2); c.7502C>T, p.Ala2501Val (NM_001354899.2); c.7463C>T, p.Ala2488Val (NM_001354900.2); c.7409C>T, p.Ala2470Val (NM_001354901.2); and 5 more; short protein forms A2529V, A2511V, A2369V, A2438V, A2504V, A2246V, A2403V, A2428V.
Identifiers: ClinVar variation 470099 (VCV000470099.16), dbSNP rs1554088496, ClinGen allele CA16037818.
Genomic context (GRCh38, chr5:112,843,180, plus strand): 5'-CTAATCTCAGTCCCACTATAGAGTATAATGATGGAAGACCAGCAAAGCGCCATGATATTG[C>T]ACGGTCTCATTCTGAAAGTCCTTCTAGACTTCCAATCAATAGGTCAGGAACCTGGAAACG-3'
Protein context (NP_000029.2, residues 2519-2539): DGRPAKRHDI[Ala2529Val]RSHSESPSRL

ClinVar aggregate classification (germline): Uncertain significance. Review status: criteria provided, multiple submitters, no conflicts (2 of 4 stars). 4 submissions from 4 submitters: Uncertain significance (4). Last evaluated 2025-12-29.

Conditions:
Hereditary cancer-predisposing syndrome. Also called: Hereditary neoplastic syndrome; Neoplastic Syndromes, Hereditary; Tumor predisposition; Hereditary Cancer Syndrome. Identifiers: Orphanet 140162, MedGen C0027672, MeSH D009386, MONDO:0015356.
Familial adenomatous polyposis 1 (FAP1). Also called: POLYPOSIS, ADENOMATOUS INTESTINAL; FAMILIAL ADENOMATOUS POLYPOSIS 1, ATTENUATED. Identifiers: MedGen C2713442, MONDO:0021056, OMIM 175100. Disease mechanism: loss of function.
Classic or attenuated familial adenomatous polyposis. Identifiers: MedGen CN372698, MONDO:0021057.

Submissions (4):

Center for Genomic Medicine, Rigshospitalet, Copenhagen University Hospital
Classification: Uncertain significance. Last evaluated: 2025-12-29. Review status: criteria provided, single submitter. Criteria: ACMG Guidelines, 2015. Collection method: clinical testing. Allele origin: germline.
Comment: Classification criteria: BP1

Labcorp Genetics (formerly Invitae), Labcorp
Classification: Uncertain significance for Familial adenomatous polyposis 1. Last evaluated: 2025-06-08. Review status: criteria provided, single submitter. Criteria: Invitae Variant Classification Sherloc (09022015). Collection method: clinical testing. Allele origin: germline.
Comment: This sequence change replaces alanine, which is neutral and non-polar, with valine, which is neutral and non-polar, at codon 2529 of the APC protein (p.Ala2529Val). This variant is not present in population databases (gnomAD no frequency). This variant has not been reported in the literature in individuals affected with APC-related conditions. ClinVar contains an entry for this variant (Variation ID: 470099). Invitae Evidence Modeling of protein sequence and biophysical properties (such as structural, functional, and spatial information, amino acid conservation, physicochemical variation, residue mobility, and thermodynamic stability) indicates that this missense variant is not expected to disrupt APC protein function with a negative predictive value of 95%. In summary, the available evidence is currently insufficient to determine the role of this variant in disease. Therefore, it has been classified as a Variant of Uncertain Significance.

All of Us Research Program, National Institutes of Health
Classification: Uncertain significance for Classic or attenuated familial adenomatous polyposis. Last evaluated: 2024-04-25. Review status: criteria provided, single submitter. Criteria: ACMG Guidelines, 2015. Collection method: clinical testing. Allele origin: germline. Inheritance: Autosomal dominant inheritance. Observed: 1 variant allele, 1 heterozygote.
Comment: This missense variant replaces alanine with valine at codon 2529 of the APC protein. Computational prediction suggests that this variant may not impact protein structure and function. To our knowledge, functional studies have not been reported for this variant. This variant has not been reported in individuals affected with APC-related disorders in the literature. This variant has not been identified in the general population by the Genome Aggregation Database (gnomAD). The available evidence is insufficient to determine the role of this variant in disease conclusively. Therefore, this variant is classified as a Variant of Uncertain Significance.

This study involves interpretation of variants in research participants for the purpose of population health screening. Participant phenotype was not available at the time of variant classification. Additional details can be found in publication PMID: 35346344, PMCID: PMC8962531

Ambry Genetics
Classification: Uncertain significance for Hereditary cancer-predisposing syndrome. Last evaluated: 2015-11-13. Review status: criteria provided, single submitter. Criteria: Ambry Variant Classification Scheme 2023. Collection method: clinical testing. Allele origin: germline.
Comment: The p.A2529V variant (also known as c.7586C>T), located in coding exon 15 of the APC gene, results from a C to T substitution at nucleotide position 7586. The alanine at codon 2529 is replaced by valine, an amino acid with similar properties. This variant was not reported in population based cohorts in the following databases: Database of Single Nucleotide Polymorphisms (dbSNP), NHLBI Exome Sequencing Project (ESP), and 1000 Genomes Project. In the ESP, this variant was not observed in 6501 samples (13002 alleles) with coverage at this position. To date, this alteration has been detected with an allele frequency of approximately 0.001% (greater than 70000 alleles tested) in our clinical cohort. This amino acid position is well conserved in available vertebrate species. In addition, in silico predictors for this gene do not accurately predict pathogenicity. Since supporting evidence is limited at this time, the clinical significance of p.A2529V remains unclear.